The following is an entry in ClinVar:

NM_001081.4(CUBN):c.*151G>A

Gene: CUBN (cubilin; minus strand). Cytogenetic location: 10p13.
Variant type: single nucleotide variant.
Coding change: c.*151G>A on transcript NM_001081.4 (MANE Select); 151 bases downstream of the stop codon, G replaced by A.
Molecular consequence: 3 prime UTR variant.
Genome position (GRCh38, 1-based): chr10:16,824,824, C>T on the plus strand (G>A on the coding strand, the complement: CUBN is on the minus strand). VCF-style: chr10-16824824-C-T. GRCh37 (hg19) VCF-style: chr10-16866823-C-T.
Identifiers: ClinVar variation 299350 (VCV000299350.7), dbSNP rs76742384, ClinGen allele CA10628278.

ClinVar aggregate classification (germline): Benign/Likely benign. Review status: criteria provided, multiple submitters, no conflicts (2 of 4 stars). 3 submissions from 3 submitters: Benign (2); Likely benign (1). Last evaluated 2021-06-23.

Conditions:
Imerslund-Grasbeck syndrome type 1 (IGS1). Also called: Megaloblastic anemia 1, Finnish type; MEGALOBLASTIC ANEMIA, 1; Imerslund-Gräsbeck syndrome 1. Identifiers: MedGen C4016819, MONDO:0100156, OMIM 261100.

Allele frequency attached by ClinVar (database versions not stated): 1000 Genomes Project 0.00958; gnomAD 0.01142 and 0.01235; TOPMed 0.01280; gnomAD exomes 0.00162; 1000 Genomes Project 30x 0.00984.
gnomAD v4.1: 2,657 of 696,630 alleles (0.38%); highest among the groups gnomAD compares: African/African-American, 4%; 50 homozygotes.

Submissions (3):

GeneDx
Classification: Likely benign. Last evaluated: 2021-06-23. Review status: criteria provided, single submitter. Criteria: GeneDx Variant Classification Process June 2021. Collection method: clinical testing. Allele origin: germline. Affected: yes.
Comment: See Variant Classification Assertion Criteria.

Illumina Laboratory Services, Illumina
Classification: Benign for Imerslund-Grasbeck syndrome type 1. Last evaluated: 2018-01-13. Review status: criteria provided, single submitter. Criteria: ICSL Variant Classification Criteria 13 December 2019. Collection method: clinical testing. Allele origin: germline.
Comment: This variant was observed in the ICSL laboratory as part of a predisposition screen in an ostensibly healthy population. It had not been previously curated by ICSL or reported in the Human Gene Mutation Database (HGMD: prior to June 1st, 2018), and was therefore a candidate for classification through an automated scoring system. Utilizing variant allele frequency, disease prevalence and penetrance estimates, and inheritance mode, an automated score was calculated to assess if this variant is too frequent to cause the disease. Based on the score and internal cut-off values, a variant classified as benign is not then subjected to further curation. The score for this variant resulted in a classification of benign for this disease.

Breakthrough Genomics
Classification: Benign. Review status: criteria provided, single submitter. Criteria: ACMG Guidelines, 2015. Collection method: not provided. Allele origin: germline. Inheritance: Autosomal recessive inheritance. Affected: yes.